The following is an entry in ClinVar:

NM_001165963.4(SCN1A):c.2931_2932insGTTTCGGTG (p.Val977_Ile978insValSerVal)

Gene: SCN1A (sodium voltage-gated channel alpha subunit 1; minus strand). Cytogenetic location: 2q24.3.
Variant type: Insertion.
Coding change: c.2931_2932insGTTTCGGTG on transcript NM_001165963.4 (MANE Select); coding-DNA positions 2931 to 2932, GTTTCGGTG inserted.
Protein change: p.Val977_Ile978insValSerVal.
Molecular consequence: inframe insertion. On other transcripts: non-coding transcript variant (1).
Genome position: GRCh38 VCF-style: chr2-166037790-T-TCACCGAAAC. GRCh37 (hg19) VCF-style: chr2-166894300-T-TCACCGAAAC.
Other names: c.2847_2848insGTTTCGGTG, p.Val949_Ile950insValSerVal (NM_001165964.3, NM_001353957.2, NM_001353958.2); c.2931_2932insGTTTCGGTG, p.Val977_Ile978insValSerVal (NM_001202435.3, NM_001353948.2); c.2898_2899insGTTTCGGTG, p.Val966_Ile967insValSerVal (NM_001353949.2, NM_001353950.2, NM_001353951.2 and 2 more transcripts); c.2895_2896insGTTTCGGTG, p.Val965_Ile966insValSerVal (NM_001353954.2, NM_001353955.2); c.2844_2845insGTTTCGGTG, p.Val948_Ile949insValSerVal (NM_001353960.2); c.489_490insGTTTCGGTG, p.Val163_Ile164insValSerVal (NM_001353961.2).
Identifiers: ClinVar variation 3776229 (VCV003776229.1).

ClinVar aggregate classification (germline): Uncertain significance (1 of 4 stars; one submission).

Conditions:
Severe myoclonic epilepsy in infancy (DRVT). Also called: Dravet syndrome; Epileptic encephalopathy, early infantile, 6 (Dravet syndrome); SEVERE MYOCLONIC EPILEPSY OF INFANCY; DEVELOPMENTAL AND EPILEPTIC ENCEPHALOPATHY 6A; Severe Myoclonic Epilepsy in Infancy (SMEI). Identifiers: Orphanet 33069, MedGen C0751122, MONDO:0100135, OMIM 607208.

Submission:

3billion
Classification: Uncertain significance for Severe myoclonic epilepsy in infancy. Last evaluated: 2024-01-03. Review status: criteria provided, single submitter. Criteria: ACMG Guidelines, 2015. Collection method: clinical testing. Allele origin: germline. Affected: yes.
Comment: The variant is not observed in the gnomAD v2.1.1 dataset. Predicted Consequence/Location: Inframe insertion located in a nonrepeat region: predicted to change the length of the protein and disrupt normal protein function. Therefore, this variant is classified as VUS according to the recommendation of ACMG/AMP guideline.